The following is an entry in ClinVar:

NM_001290208.3(ZNF717):c.1476A>T (p.Ser492=)

Gene: ZNF717 (zinc finger protein 717; minus strand). Cytogenetic location: 3p12.3.
Variant type: single nucleotide variant.
Coding change: c.1476A>T on transcript NM_001290208.3 (MANE Select); coding-DNA position 1476, A replaced by T.
Protein change: p.Ser492=; no amino-acid change (serine 492 retained).
Molecular consequence: synonymous variant. On other transcripts: intron variant (3).
Genome position (GRCh38, 1-based): chr3:75,738,147, T>A on the plus strand (A>T on the coding strand, the complement: ZNF717 is on the minus strand). VCF-style: chr3-75738147-T-A. GRCh37 (hg19) VCF-style: chr3-75787298-T-A.
Other names: c.1476A>T, p.Ser492= (NM_001128223.3, NM_001324027.1); c.1326A>T, p.Ser442= (NM_001290209.3); c.277+3129A>T (NM_001290210.2, NM_001324026.2); c.256+3129A>T (NM_001324028.1).
Identifiers: ClinVar variation 4872703 (VCV004872703.2).

ClinVar aggregate classification (germline): Likely benign (1 of 4 stars; one submission).

Submission:

CeGaT Center for Human Genetics Tuebingen
Classification: Likely benign. Last evaluated: 2026-04-01. Review status: criteria provided, single submitter. Criteria: CeGaT Center For Human Genetics Tuebingen Variant Classification Criteria Version 2. Collection method: clinical testing. Allele origin: germline. Affected: yes. Observed: 1 variant allele.
Comment: ZNF717: PM2:Supporting, BP4, BP7